The following is an entry in ClinVar:

ClinVar aggregate classification (germline): Pathogenic (1 of 4 stars; one submission).

Conditions:
Familial thoracic aortic aneurysm and aortic dissection (TAAD). Also called: Thoracic aortic aneurysms and dissections. Identifiers: Orphanet 91387, MedGen C4707243, MONDO:0019625.
Marfan syndrome (MFS). Also called: FBN1-Related Marfan Syndrome; Marfan's syndrome; MARFAN SYNDROME, TYPE I; Marfan syndrome type 1; Marfan syndrome, classic. Identifiers: Orphanet 284963, Orphanet 558, MedGen C0024796, MONDO:0007947, OMIM 154700.

Submission:

Labcorp Genetics (formerly Invitae), Labcorp
Classification: Pathogenic for Marfan syndrome; Familial thoracic aortic aneurysm and aortic dissection. Last evaluated: 2020-02-26. Review status: criteria provided, single submitter. Criteria: Invitae Variant Classification Sherloc (09022015). Collection method: clinical testing. Allele origin: germline.
Comment: For these reasons, this variant has been classified as Pathogenic. Donor and acceptor splice site variants typically lead to a loss of protein function (PMID: 16199547), and loss-of-function variants in FBN1 are known to be pathogenic (PMID: 17657824, 19293843). Disruption of this splice site has been observed in individual(s) with Marfan syndrome (PMID: 29768367, 27906200, Invitae). This variant is not present in population databases (ExAC no frequency). This sequence change affects a donor splice site in intron 46 of the FBN1 gene. It is expected to disrupt RNA splicing and likely results in an absent or disrupted protein product.

Literature cited by the submitters: PubMed 16199547; PubMed 17657824; PubMed 19293843; PubMed 29768367; PubMed 27906200.

NM_000138.5(FBN1):c.5671+1G>A

Gene: FBN1 (fibrillin 1; minus strand). Cytogenetic location: 15q21.1.
Variant type: single nucleotide variant.
Coding change: c.5671+1G>A on transcript NM_000138.5 (MANE Select); the canonical splice donor site of the intron after coding-DNA position 5671, G replaced by A.
Molecular consequence: splice donor variant.
Genome position (GRCh38, 1-based): chr15:48,448,767, C>T on the plus strand (G>A on the coding strand, the complement: FBN1 is on the minus strand). VCF-style: chr15-48448767-C-T. GRCh37 (hg19) VCF-style: chr15-48740964-C-T.
Other names: c.5671+1G>A (NM_001406716.1).
Identifiers: ClinVar variation 845016 (VCV000845016.10), dbSNP rs112104270, ClinGen allele CA269534972.
Genomic context (GRCh38, chr15:48,448,767, plus strand): 5'-TTTAGAATCAAATGAAGCTTTCAACAGCATATGAAAAAAATAATAATAATTGCATACTTA[C>T]CCAAGCACATGGTTTGGTCATCATTTGTTTTAAAACCAGTGTGGCAAAGGCAATAAAAGC-3'